The following is an entry in ClinVar:

NM_014484.5(MOCS3):c.921T>G (p.Thr307=)

Gene: MOCS3 (molybdenum cofactor synthesis 3; plus strand). Cytogenetic location: 20q13.13.
Variant type: single nucleotide variant.
Coding change: c.921T>G on transcript NM_014484.5 (MANE Select); coding-DNA position 921, T replaced by G.
Protein change: p.Thr307=; no amino-acid change (threonine 307 retained).
Molecular consequence: synonymous variant.
Genome position (GRCh38, 1-based): chr20:50,959,763, T>G. VCF-style: chr20-50959763-T-G. GRCh37 (hg19) VCF-style: chr20-49576300-T-G.
Identifiers: ClinVar variation 4694952 (VCV004694952.1).
Genomic context (GRCh38, chr20:50,959,763, plus strand): 5'-TATTCGGCTGCGGAGCCGCAGGCTCGACTGTGCAGCTTGCGGGGAACGGCCCACTGTGAC[T>G]GATCTGCTGGACTATGAAGCCTTCTGTGGCTCCTCAGCCACTGATAAATGCCGCTCCCTG-3'
Protein context (NP_055299.1, residues 297-317): CAACGERPTV[Thr307=]DLLDYEAFCG

ClinVar aggregate classification (germline): Uncertain significance (1 of 4 stars; one submission).

gnomAD v4.1: 9 of 1,614,162 alleles (0.00056%); highest among the groups gnomAD compares: East Asian, 0.013%; no homozygotes.

Submission:

Labcorp Genetics (formerly Invitae), Labcorp
Classification: Uncertain significance. Last evaluated: 2025-03-16. Review status: criteria provided, single submitter. Criteria: Invitae Variant Classification Sherloc (09022015). Collection method: clinical testing. Allele origin: germline.
Comment: This sequence change affects codon 307 of the MOCS3 mRNA. It is a 'silent' change, meaning that it does not change the encoded amino acid sequence of the MOCS3 protein. This variant is present in population databases (rs757975192, gnomAD 0.02%). This variant has not been reported in the literature in individuals affected with MOCS3-related conditions. In summary, the available evidence is currently insufficient to determine the role of this variant in disease. Therefore, it has been classified as a Variant of Uncertain Significance.